The following is an entry in ClinVar:

NM_014140.4(SMARCAL1):c.2837A>C (p.Asn946Thr)

Gene: SMARCAL1 (SNF2 related chromatin remodeling annealing helicase 1; plus strand). Cytogenetic location: 2q35.
Variant type: single nucleotide variant.
Coding change: c.2837A>C on transcript NM_014140.4 (MANE Select); coding-DNA position 2837, A replaced by C.
Protein change: p.Asn946Thr; replaces asparagine 946 with threonine.
Molecular consequence: missense variant.
Genome position (GRCh38, 1-based): chr2:216,482,949, A>C. VCF-style: chr2-216482949-A-C. GRCh37 (hg19) VCF-style: chr2-217347672-A-C.
Other names: c.2837A>C, p.Asn946Thr (NM_001127207.2); short protein forms N946T.
Identifiers: ClinVar variation 1043156 (VCV001043156.9), dbSNP rs1457757664, ClinGen allele CA350505597.

ClinVar aggregate classification (germline): Uncertain significance. Review status: criteria provided, single submitter (1 of 4 stars). 2 submissions from 2 submitters: Uncertain significance (1). 1 of the submissions does not count toward it. Last evaluated 2022-08-20.

Conditions:
Schimke immuno-osseous dysplasia (SIOD). Also called: Schimke Immunoosseous Dysplasia. Identifiers: Orphanet 1830, MedGen C0877024, MONDO:0009458, OMIM 242900.

Allele frequency attached by ClinVar (database versions not stated): gnomAD 0.00001; gnomAD exomes 0.00001.
gnomAD v4.1: 5 of 1,614,062 alleles (0.00031%); highest among the groups gnomAD compares: African/African-American, 0.0013%; no homozygotes.

Submissions (2):

Labcorp Genetics (formerly Invitae), Labcorp
Classification: Uncertain significance for Schimke immuno-osseous dysplasia. Last evaluated: 2022-08-20. Review status: criteria provided, single submitter. Criteria: Invitae Variant Classification Sherloc (09022015). Collection method: clinical testing. Allele origin: germline.
Comment: This sequence change replaces asparagine, which is neutral and polar, with threonine, which is neutral and polar, at codon 946 of the SMARCAL1 protein (p.Asn946Thr). This variant is present in population databases (no rsID available, gnomAD 0.007%). This variant has not been reported in the literature in individuals affected with SMARCAL1-related conditions. ClinVar contains an entry for this variant (Variation ID: 1043156). Algorithms developed to predict the effect of missense changes on protein structure and function (SIFT, PolyPhen-2, Align-GVGD) all suggest that this variant is likely to be tolerated. In summary, the available evidence is currently insufficient to determine the role of this variant in disease. Therefore, it has been classified as a Variant of Uncertain Significance.

Natera, Inc.
Classification: Uncertain significance for Schimke immuno-osseous dysplasia. Last evaluated: 2020-03-20. Review status: no assertion criteria provided. Collection method: clinical testing. Allele origin: germline. Not counted in ClinVar's aggregate classification.